The following is an entry in ClinVar:

ClinVar aggregate classification (germline): Uncertain significance (1 of 4 stars; one submission).

Submission:

Labcorp Genetics (formerly Invitae), Labcorp
Classification: Uncertain significance. Last evaluated: 2022-09-01. Review status: criteria provided, single submitter. Criteria: Invitae Variant Classification Sherloc (09022015). Collection method: clinical testing. Allele origin: germline.
Comment: This sequence change replaces aspartic acid, which is acidic and polar, with glycine, which is neutral and non-polar, at codon 1122 of the KIAA0556 protein (p.Asp1122Gly). In summary, the available evidence is currently insufficient to determine the role of this variant in disease. Therefore, it has been classified as a Variant of Uncertain Significance. Algorithms developed to predict the effect of missense changes on protein structure and function are either unavailable or do not agree on the potential impact of this missense change (SIFT: "Deleterious"; PolyPhen-2: "Probably Damaging"; Align-GVGD: "Class C0"). This variant has not been reported in the literature in individuals affected with KIAA0556-related conditions. This variant is not present in population databases (gnomAD no frequency).

NM_015202.5(KATNIP):c.3365A>G (p.Asp1122Gly)

Gene: KATNIP (katanin interacting protein; plus strand). Cytogenetic location: 16p12.1.
Variant type: single nucleotide variant.
Coding change: c.3365A>G on transcript NM_015202.5 (MANE Select); coding-DNA position 3365, A replaced by G.
Protein change: p.Asp1122Gly; replaces aspartic acid 1122 with glycine.
Molecular consequence: missense variant.
Genome position (GRCh38, 1-based): chr16:27,751,737, A>G. VCF-style: chr16-27751737-A-G. GRCh37 (hg19) VCF-style: chr16-27763058-A-G.
Other names: short protein forms D1122G.
Identifiers: ClinVar variation 2130895 (VCV002130895.4), dbSNP rs2543290101, ClinGen allele CA395327879.
Genomic context (GRCh38, chr16:27,751,737, plus strand): 5'-GTGAAGTGAGTTGACCTTTCTGTCATCTTGATAACCCATTAGCCCCAGAGCACTTTGGAG[A>G]CACGATCTTATTCACAACCGATGATGACATTCTCGAGGCCATATTCTATTCTGATGAGAT-3'
Protein context (NP_056017.4, residues 1112-1132): TLAGAPEHFG[Asp1122Gly]TILFTTDDDI